The following is an entry in ClinVar:

ClinVar aggregate classification (germline): Uncertain significance. Review status: criteria provided, multiple submitters, no conflicts (2 of 4 stars). 2 submissions from 2 submitters: Uncertain significance (2). Last evaluated 2025-08-01.

Conditions:
Hereditary cancer-predisposing syndrome. Also called: Tumor predisposition; Neoplastic Syndromes, Hereditary; Hereditary Cancer Syndrome; Hereditary neoplastic syndrome. Identifiers: Orphanet 140162, MedGen C0027672, MeSH D009386, MONDO:0015356.
Familial adenomatous polyposis 1 (FAP1). Also called: FAMILIAL ADENOMATOUS POLYPOSIS 1, ATTENUATED; POLYPOSIS, ADENOMATOUS INTESTINAL. Identifiers: MedGen C2713442, MONDO:0021056, OMIM 175100. Disease mechanism: loss of function.

Submissions (2):

Ambry Genetics
Classification: Uncertain significance for Hereditary cancer-predisposing syndrome. Last evaluated: 2025-08-01. Review status: criteria provided, single submitter. Criteria: Ambry Variant Classification Scheme 2023. Collection method: clinical testing. Allele origin: germline.
Comment: The p.Y1078D variant (also known as c.3232T>G), located in coding exon 15 of the APC gene, results from a T to G substitution at nucleotide position 3232. The tyrosine at codon 1078 is replaced by aspartic acid, an amino acid with highly dissimilar properties. This amino acid position is conserved. In addition, in silico predictors for this gene do not accurately predict pathogenicity. Missense alterations in APC are not a common cause of disease (Spier I et al. Genet Med. 2024 Feb;26(2):100992). Since supporting evidence is limited at this time, the clinical significance of this alteration remains unclear.

Labcorp Genetics (formerly Invitae), Labcorp
Classification: Uncertain significance for Familial adenomatous polyposis 1. Last evaluated: 2022-12-14. Review status: criteria provided, single submitter. Criteria: Invitae Variant Classification Sherloc (09022015). Collection method: clinical testing. Allele origin: germline.
Comment: This variant has not been reported in the literature in individuals affected with APC-related conditions. This variant is not present in population databases (gnomAD no frequency). This sequence change replaces tyrosine, which is neutral and polar, with aspartic acid, which is acidic and polar, at codon 1078 of the APC protein (p.Tyr1078Asp). ClinVar contains an entry for this variant (Variation ID: 1729214). In summary, the available evidence is currently insufficient to determine the role of this variant in disease. Therefore, it has been classified as a Variant of Uncertain Significance. Advanced modeling of protein sequence and biophysical properties (such as structural, functional, and spatial information, amino acid conservation, physicochemical variation, residue mobility, and thermodynamic stability) performed at Invitae indicates that this missense variant is not expected to disrupt APC protein function.

NM_000038.6(APC):c.3232T>G (p.Tyr1078Asp)

Gene: APC (APC regulator of Wnt signaling pathway; plus strand). Cytogenetic location: 5q22.2.
Variant type: single nucleotide variant.
Coding change: c.3232T>G on transcript NM_000038.6 (MANE Select); coding-DNA position 3232, T replaced by G.
Protein change: p.Tyr1078Asp; replaces tyrosine 1078 with aspartic acid.
Molecular consequence: missense variant.
Genome position (GRCh38, 1-based): chr5:112,838,826, T>G. VCF-style: chr5-112838826-T-G. GRCh37 (hg19) VCF-style: chr5-112174523-T-G.
Other names: c.3232T>G, p.Tyr1078Asp (NM_001127510.3, NM_001354895.2, NM_001407450.1); c.3178T>G, p.Tyr1060Asp (NM_001127511.3); c.3286T>G, p.Tyr1096Asp (NM_001354896.2, NM_001407447.1, NM_001407448.1 and 1 more transcripts); c.3262T>G, p.Tyr1088Asp (NM_001354897.2); c.3157T>G, p.Tyr1053Asp (NM_001354898.2); c.3148T>G, p.Tyr1050Asp (NM_001354899.2); c.3109T>G, p.Tyr1037Asp (NM_001354900.2); c.3055T>G, p.Tyr1019Asp (NM_001354901.2, NM_001407453.1); and 11 more; short protein forms Y1037D, Y694D, Y795D, Y952D, Y995D, Y1019D, Y1053D, Y1068D.
Identifiers: ClinVar variation 1729214 (VCV001729214.6), dbSNP rs367687901, ClinGen allele CA16028422.